The following is an entry in ClinVar:

ClinVar aggregate classification (germline): Uncertain significance (1 of 4 stars; one submission).

Conditions:
Generalized epilepsy with febrile seizures plus, type 7 (GEFSP7). Also called: GEFS+, TYPE 7. Identifiers: Orphanet 36387, MedGen C2751778, MONDO:0013470, OMIM 613863.
Neuropathy, hereditary sensory and autonomic, type 2A (HSAN2A). Also called: ACROOSTEOLYSIS, GIACCAI TYPE; ACROOSTEOLYSIS, NEUROGENIC; WNK1-Related HSAN2 (HSAN2A); HSAN IIA; MORVAN DISEASE; NEUROPATHY, CONGENITAL SENSORY. Identifiers: Orphanet 970, MedGen C2752089, MONDO:0024309, OMIM 201300.

Submission:

Labcorp Genetics (formerly Invitae), Labcorp
Classification: Uncertain significance for Neuropathy, hereditary sensory and autonomic, type 2A; Generalized epilepsy with febrile seizures plus, type 7. Last evaluated: 2022-08-05. Review status: criteria provided, single submitter. Criteria: Invitae Variant Classification Sherloc (09022015). Collection method: clinical testing. Allele origin: germline.
Comment: In summary, the available evidence is currently insufficient to determine the role of this variant in disease. Therefore, it has been classified as a Variant of Uncertain Significance. Algorithms developed to predict the effect of missense changes on protein structure and function are either unavailable or do not agree on the potential impact of this missense change (SIFT: "Deleterious"; PolyPhen-2: "Probably Damaging"; Align-GVGD: "Class C15"). This variant has not been reported in the literature in individuals affected with SCN9A-related conditions. This variant is not present in population databases (gnomAD no frequency). This sequence change replaces serine, which is neutral and polar, with tyrosine, which is neutral and polar, at codon 1940 of the SCN9A protein (p.Ser1940Tyr).

NM_001365536.1(SCN9A):c.5852C>A (p.Ser1951Tyr)

Genes: SCN9A (sodium voltage-gated channel alpha subunit 9; minus strand), SCN1A-AS1 (SCN1A and SCN9A antisense RNA 1; plus strand). Cytogenetic location: 2q24.3.
Variant type: single nucleotide variant.
Coding change: c.5852C>A on transcript NM_001365536.1 (MANE Select); coding-DNA position 5852, C replaced by A.
Protein change: p.Ser1951Tyr; replaces serine 1951 with tyrosine.
Molecular consequence: missense variant.
Genome position (GRCh38, 1-based): chr2:166,198,787, G>T on the plus strand (C>A on the coding strand, the complement: SCN9A is on the minus strand). VCF-style: chr2-166198787-G-T. GRCh37 (hg19) VCF-style: chr2-167055297-G-T.
Other names: c.5819C>A, p.Ser1940Tyr (NM_002977.4); short protein forms S1940Y, S1951Y.
Identifiers: ClinVar variation 1719600 (VCV001719600.6), dbSNP rs2468873878, ClinGen allele CA349051351.
Genomic context (GRCh38, chr2:166,198,787, plus strand): 5'-TGTTCATATTTCTCTTTGTCTGGCTTTGTTACACTATCATATGAAGGTGGAGAGGTGGTG[G>T]ATGAAGTGGCATCTGTTTTTTCTGGACTTGAGTTCTCATTAACATTATCAAAAGCCATAT-3'
Protein context (NP_001352465.1, residues 1941-1961): SSPEKTDATS[Ser1951Tyr]TTSPPSYDSV